The following is an entry in ClinVar:

ClinVar aggregate classification (germline): Likely benign. Review status: criteria provided, multiple submitters, no conflicts (2 of 4 stars). 2 submissions from 2 submitters: Likely benign (2). Last evaluated 2025-04-01.

gnomAD v4.1: 149 of 1,614,062 alleles (0.0092%); highest among the groups gnomAD compares: Non-Finnish European, 0.011%; no homozygotes.

Submissions (2):

CeGaT Center for Human Genetics Tuebingen
Classification: Likely benign. Last evaluated: 2025-04-01. Review status: criteria provided, single submitter. Criteria: CeGaT Center For Human Genetics Tuebingen Variant Classification Criteria Version 2. Collection method: clinical testing. Allele origin: germline. Affected: yes. Observed: 1 variant allele.
Comment: FAT2: BP4, BP7

Blueprint Genetics
Classification: Likely benign. Last evaluated: 2024-09-10. Review status: criteria provided, single submitter. Criteria: ACMG Guidelines, 2015. Collection method: clinical testing. Allele origin: germline.

NM_001447.3(FAT2):c.1134C>T (p.Gly378=)

Gene: FAT2 (FAT atypical cadherin 2; minus strand). Cytogenetic location: 5q33.1.
Variant type: single nucleotide variant.
Coding change: c.1134C>T on transcript NM_001447.3 (MANE Select); coding-DNA position 1134, C replaced by T.
Protein change: p.Gly378=; no amino-acid change (glycine 378 retained).
Molecular consequence: synonymous variant.
Genome position (GRCh38, 1-based): chr5:151,567,798, G>A on the plus strand (C>T on the coding strand, the complement: FAT2 is on the minus strand). VCF-style: chr5-151567798-G-A. GRCh37 (hg19) VCF-style: chr5-150947359-G-A.
Identifiers: ClinVar variation 3898322 (VCV003898322.8).